The following is an entry in ClinVar:

ClinVar aggregate classification (germline): Uncertain significance. Review status: criteria provided, multiple submitters, no conflicts (2 of 4 stars). 3 submissions from 3 submitters: Uncertain significance (3). Last evaluated 2024-11-12.

Conditions:
Inborn genetic diseases. Identifiers: MedGen C0950123, MeSH D030342.

Allele frequency attached by ClinVar (database versions not stated): ExAC 0.00002; gnomAD exomes 0.00003 and 0.00006; gnomAD 0.00005; ESP Exome Variant Server 0.00008; TOPMed 0.00008.
gnomAD v4.1: 48 of 1,612,728 alleles (0.003%); highest among the groups gnomAD compares: Admixed American, 0.027%; no homozygotes.

Submissions (3):

Ambry Genetics
Classification: Uncertain significance for Inborn genetic diseases. Last evaluated: 2024-11-12. Review status: criteria provided, single submitter. Criteria: Ambry Variant Classification Scheme 2023. Collection method: clinical testing. Allele origin: germline.

GeneDx
Classification: Uncertain significance. Last evaluated: 2022-05-27. Review status: criteria provided, single submitter. Criteria: GeneDx Variant Classification Process June 2021. Collection method: clinical testing. Allele origin: germline. Affected: yes.
Comment: In silico analysis supports that this missense variant does not alter protein structure/function; Has not been previously published as pathogenic or benign to our knowledge

Labcorp Genetics (formerly Invitae), Labcorp
Classification: Uncertain significance. Last evaluated: 2021-09-24. Review status: criteria provided, single submitter. Criteria: Invitae Variant Classification Sherloc (09022015). Collection method: clinical testing. Allele origin: germline.
Comment: This sequence change replaces valine with isoleucine at codon 143 of the TRIP4 protein (p.Val143Ile). The valine residue is moderately conserved and there is a small physicochemical difference between valine and isoleucine. This variant is present in population databases (rs144113386, ExAC 0.009%). This variant has not been reported in the literature in individuals with TRIP4-related conditions. Algorithms developed to predict the effect of missense changes on protein structure and function (SIFT, PolyPhen-2, Align-GVGD) all suggest that this variant is likely to be tolerated, but these predictions have not been confirmed by published functional studies and their clinical significance is uncertain. In summary, the available evidence is currently insufficient to determine the role of this variant in disease. Therefore, it has been classified as a Variant of Uncertain Significance.

NM_016213.5(TRIP4):c.427G>A (p.Val143Ile)

Gene: TRIP4 (thyroid hormone receptor interactor 4; plus strand). Cytogenetic location: 15q22.31.
Variant type: single nucleotide variant.
Coding change: c.427G>A on transcript NM_016213.5 (MANE Select); coding-DNA position 427, G replaced by A.
Protein change: p.Val143Ile; replaces valine 143 with isoleucine.
Molecular consequence: missense variant. On other transcripts: 5 prime UTR variant (1), non-coding transcript variant (1).
Genome position (GRCh38, 1-based): chr15:64,397,627, G>A. VCF-style: chr15-64397627-G-A. GRCh37 (hg19) VCF-style: chr15-64689826-G-A.
Other names: c.-264G>A (NM_001321924.2); short protein forms V143I.
Identifiers: ClinVar variation 1509613 (VCV001509613.7), dbSNP rs144113386, ClinGen allele CA7609378.